The following is an entry in ClinVar:

NM_025074.7(FRAS1):c.4736C>T (p.Pro1579Leu)

Gene: FRAS1 (Fraser extracellular matrix complex subunit 1; plus strand). Cytogenetic location: 4q21.21.
Variant type: single nucleotide variant.
Coding change: c.4736C>T on transcript NM_025074.7 (MANE Select); coding-DNA position 4736, C replaced by T.
Protein change: p.Pro1579Leu; replaces proline 1579 with leucine.
Molecular consequence: missense variant.
Genome position (GRCh38, 1-based): chr4:78,429,119, C>T. VCF-style: chr4-78429119-C-T. GRCh37 (hg19) VCF-style: chr4-79350273-C-T.
Other names: c.4736C>T, p.Pro1579Leu (NM_001166133.2); short protein forms P1579L.
Identifiers: ClinVar variation 1908815 (VCV001908815.4), dbSNP rs188338621, ClinGen allele CA2977318.
Genomic context (GRCh38, chr4:78,429,119, plus strand): 5'-TGTGTCTCTGTGTGTGTGTGCATTTATCCTTTTTAGTTTCAGATGGAGAACACACAAGTC[C>T]GGAGATGGTCCTCACCATTCACTTACTTCCCAGTGATCAGCAACTGCCAGTGTTCCAGGT-3'
Protein context (NP_079350.5, residues 1569-1589): FTVSDGEHTS[Pro1579Leu]EMVLTIHLLP

ClinVar aggregate classification (germline): Uncertain significance. Review status: criteria provided, multiple submitters, no conflicts (2 of 4 stars). 2 submissions from 2 submitters: Uncertain significance (2). Last evaluated 2025-02-17.

Conditions:
Fraser syndrome 1 (FRASRS1). Also called: CRYPTOPHTHALMOS WITH OTHER MALFORMATIONS. Identifiers: Orphanet 2052, MedGen C4551480, MONDO:0054737, OMIM 219000.

Allele frequency attached by ClinVar (database versions not stated): gnomAD 0.00001; gnomAD exomes 0.00001; ExAC 0.00004; 1000 Genomes Project 0.00020; 1000 Genomes Project 30x 0.00031.
gnomAD v4.1: 20 of 1,560,782 alleles (0.0013%); highest among the groups gnomAD compares: East Asian, 0.0048%; no homozygotes.

Submissions (2):

Labcorp Genetics (formerly Invitae), Labcorp
Classification: Uncertain significance. Last evaluated: 2025-02-17. Review status: criteria provided, single submitter. Criteria: Invitae Variant Classification Sherloc (09022015). Collection method: clinical testing. Allele origin: germline.
Comment: This sequence change replaces proline, which is neutral and non-polar, with leucine, which is neutral and non-polar, at codon 1579 of the FRAS1 protein (p.Pro1579Leu). This variant is present in population databases (rs188338621, gnomAD 0.009%). This variant has not been reported in the literature in individuals affected with FRAS1-related conditions. ClinVar contains an entry for this variant (Variation ID: 1908815). Invitae Evidence Modeling of protein sequence and biophysical properties (such as structural, functional, and spatial information, amino acid conservation, physicochemical variation, residue mobility, and thermodynamic stability) indicates that this missense variant is not expected to disrupt FRAS1 protein function with a negative predictive value of 80%. In summary, the available evidence is currently insufficient to determine the role of this variant in disease. Therefore, it has been classified as a Variant of Uncertain Significance.

Fulgent Genetics
Classification: Uncertain significance for Fraser syndrome 1. Last evaluated: 2024-02-21. Review status: criteria provided, single submitter. Criteria: ACMG Guidelines, 2015. Collection method: clinical testing. Allele origin: germline.